The following is an entry in ClinVar:

NM_017662.5(TRPM6):c.2560A>G (p.Met854Val)

Gene: TRPM6 (transient receptor potential cation channel subfamily M member 6; minus strand). Cytogenetic location: 9q21.13.
Variant type: single nucleotide variant.
Coding change: c.2560A>G on transcript NM_017662.5 (MANE Select); coding-DNA position 2560, A replaced by G.
Protein change: p.Met854Val; replaces methionine 854 with valine.
Molecular consequence: missense variant.
Genome position (GRCh38, 1-based): chr9:74,788,721, T>C on the plus strand (A>G on the coding strand, the complement: TRPM6 is on the minus strand). VCF-style: chr9-74788721-T-C. GRCh37 (hg19) VCF-style: chr9-77403637-T-C.
Other names: c.2545A>G, p.Met849Val (NM_001177310.2, NM_001177311.2); short protein forms M849V, M854V.
Identifiers: ClinVar variation 2579414 (VCV002579414.4), dbSNP rs367569098, ClinGen allele CA5084517.

ClinVar aggregate classification (germline): Uncertain significance. Review status: criteria provided, multiple submitters, no conflicts (2 of 4 stars). 3 submissions from 3 submitters: Uncertain significance (3). Last evaluated 2024-03-27.

Conditions:
Intestinal hypomagnesemia 1. Also called: HYPOMAGNESEMIA, INTESTINAL, WITH SECONDARY HYPOCALCEMIA; HYPOMAGNESEMIC TETANY. Identifiers: Orphanet 30924, MedGen C1865974, MONDO:0011176, OMIM 602014.

Allele frequency attached by ClinVar (database versions not stated): gnomAD exomes 0.00001; ExAC 0.00005; gnomAD 0.00010; TOPMed 0.00013; ESP Exome Variant Server 0.00015; 1000 Genomes Project 30x 0.00016; 1000 Genomes Project 0.00020.
gnomAD v4.1: 30 of 1,614,004 alleles (0.0019%); highest among the groups gnomAD compares: African/African-American, 0.039%; no homozygotes.

Submissions (3):

Fulgent Genetics
Classification: Uncertain significance for Intestinal hypomagnesemia 1. Last evaluated: 2024-03-27. Review status: criteria provided, single submitter. Criteria: ACMG Guidelines, 2015. Collection method: clinical testing. Allele origin: germline.

Genetic Services Laboratory, University of Chicago
Classification: Uncertain significance. Last evaluated: 2024-03-17. Review status: criteria provided, single submitter. Criteria: ACMG Guidelines, 2015. Collection method: clinical testing. Allele origin: germline. Affected: no.
Comment: DNA sequence analysis of the TRPM6 gene demonstrated a sequence change, c.2560A>G, in exon 20 that results in an amino acid change, p.Met854Val. This sequence change does not appear to have been previously described in individuals with TRPM6-related disorders. This sequence change has been described in the gnomAD database with a frequency of 0.004% in the overall population (dbSNP rs367569098). The p.Met854Val change affects a highly conserved amino acid residue located in a domain of the TRPM6 protein that is not known to be functional. In-silico pathogenicity prediction tools (SIFT, PolyPhen2, Align GVGD, REVEL) provide contradictory results for the p.Met854Val substitution. Due to insufficient evidences and the lack of functional studies, the clinical significance of the p.Met854Val change remains unknown at this time.

GeneDx
Classification: Uncertain significance. Last evaluated: 2023-03-10. Review status: criteria provided, single submitter. Criteria: GeneDx Variant Classification Process June 2021. Collection method: clinical testing. Allele origin: germline. Affected: yes.
Comment: In silico analysis supports that this missense variant has a deleterious effect on protein structure/function; Has not been previously published as pathogenic or benign to our knowledge